The following is an entry in ClinVar:

NM_001376.5(DYNC1H1):c.9401C>G (p.Pro3134Arg)

Genes: DYNC1H1 (dynein cytoplasmic 1 heavy chain 1; plus strand), LOC126862060 (BRD4-independent group 4 enhancer GRCh37_chr14:102493659-102494858; plus strand). Cytogenetic location: 14q32.31.
Variant type: single nucleotide variant.
Coding change: c.9401C>G on transcript NM_001376.5 (MANE Select); coding-DNA position 9401, C replaced by G.
Protein change: p.Pro3134Arg; replaces proline 3134 with arginine.
Molecular consequence: missense variant.
Genome position (GRCh38, 1-based): chr14:102,028,074, C>G. VCF-style: chr14-102028074-C-G. GRCh37 (hg19) VCF-style: chr14-102494411-C-G.
Other names: short protein forms P3134R.
Identifiers: ClinVar variation 4771090 (VCV004771090.1).
Genomic context (GRCh38, chr14:102,028,074, plus strand): 5'-ATCTGGAGAAGCCAAATTACATCGTGCCTGATTACATGCCAGTTGTGTATGATAAGCTGC[C>G]GCAGCCACCATCCCATCGGGAAGCCATTGTGAACAGCTGTGTGTTTGTTCATCAGACTCT-3'
Protein context (NP_001367.2, residues 3124-3144): DYMPVVYDKL[Pro3134Arg]QPPSHREAIV

ClinVar aggregate classification (germline): Uncertain significance (1 of 4 stars; one submission).

Conditions:
Charcot-Marie-Tooth disease axonal type 2O. Also called: CHARCOT-MARIE-TOOTH NEUROPATHY, AXONAL, TYPE 2O; CHARCOT-MARIE-TOOTH DISEASE, AXONAL, AUTOSOMAL DOMINANT, TYPE 2O; Charcot-Marie-Tooth Neuropathy Type 2O; Charcot-Marie-Tooth disease, axonal, type 20. Identifiers: Orphanet 284232, MedGen C3280220, MONDO:0013644, OMIM 614228.

Submission:

Labcorp Genetics (formerly Invitae), Labcorp
Classification: Uncertain significance for Charcot-Marie-Tooth disease axonal type 2O. Last evaluated: 2025-12-21. Review status: criteria provided, single submitter. Criteria: Invitae Variant Classification Sherloc (09022015). Collection method: clinical testing. Allele origin: germline.
Comment: This sequence change replaces proline, which is neutral and non-polar, with arginine, which is basic and polar, at codon 3134 of the DYNC1H1 protein (p.Pro3134Arg). This variant is not present in population databases (gnomAD no frequency). This variant has not been reported in the literature in individuals affected with DYNC1H1-related conditions. Invitae Evidence Modeling of protein sequence and biophysical properties (such as structural, functional, and spatial information, amino acid conservation, physicochemical variation, residue mobility, and thermodynamic stability) indicates that this missense variant is not expected to disrupt DYNC1H1 protein function with a negative predictive value of 95%. In summary, the available evidence is currently insufficient to determine the role of this variant in disease. Therefore, it has been classified as a Variant of Uncertain Significance.